The following is an entry in ClinVar:

ClinVar aggregate classification (germline): Likely benign (1 of 4 stars; one submission).

Allele frequency attached by ClinVar (database versions not stated): 1000 Genomes Project 0.00160; 1000 Genomes Project 30x 0.00172; ESP Exome Variant Server 0.00200; ExAC 0.00250; gnomAD 0.00265; TOPMed 0.00320.
gnomAD v4.1: 2,995 of 1,614,156 alleles (0.19%); highest among the groups gnomAD compares: Middle Eastern, 1.8%; 12 homozygotes.

Submission:

CeGaT Center for Human Genetics Tuebingen
Classification: Likely benign. Last evaluated: 2023-01-01. Review status: criteria provided, single submitter. Criteria: CeGaT Center For Human Genetics Tuebingen Variant Classification Criteria Version 2. Collection method: clinical testing. Allele origin: germline. Affected: yes. Observed: 1 variant allele.
Comment: LTF: BS2

NM_002343.6(LTF):c.1841C>T (p.Pro614Leu)

Gene: LTF (lactotransferrin; minus strand). Cytogenetic location: 3p21.31.
Variant type: single nucleotide variant.
Coding change: c.1841C>T on transcript NM_002343.6 (MANE Select); coding-DNA position 1841, C replaced by T.
Protein change: p.Pro614Leu; replaces proline 614 with leucine.
Molecular consequence: missense variant.
Genome position (GRCh38, 1-based): chr3:46,439,363, G>A on the plus strand (C>T on the coding strand, the complement: LTF is on the minus strand). VCF-style: chr3-46439363-G-A. GRCh37 (hg19) VCF-style: chr3-46480854-G-A.
Other names: c.1709C>T, p.Pro570Leu (NM_001199149.2); c.1835C>T, p.Pro612Leu (NM_001321121.2); c.1802C>T, p.Pro601Leu (NM_001321122.2); short protein forms P570L, P601L, P612L, P614L.
Identifiers: ClinVar variation 2653732 (VCV002653732.24), dbSNP rs144149027, ClinGen allele CA2355141.